The following is an entry in ClinVar:

ClinVar aggregate classification (germline): Uncertain significance (1 of 4 stars; one submission).

Conditions:
Myoclonic dystonia 11 (DYT11). Also called: SGCE Myoclonus-Dystonia; Myoclonus-Dystonia; DYT-SGCE; Myoclonic dystonia; Dystonia 11; Dystonia, alcohol responsive. Identifiers: Orphanet 36899, MedGen C1834570, MONDO:0008044, OMIM 159900.

Allele frequency attached by ClinVar (database versions not stated): TOPMed 0.00001.
gnomAD v4.1: 3 of 1,612,482 alleles (0.00019%); highest among the groups gnomAD compares: South Asian, 0.0011%; no homozygotes.

Submission:

Labcorp Genetics (formerly Invitae), Labcorp
Classification: Uncertain significance for Myoclonic dystonia 11. Last evaluated: 2022-04-24. Review status: criteria provided, single submitter. Criteria: Invitae Variant Classification Sherloc (09022015). Collection method: clinical testing. Allele origin: germline.
Comment: This sequence change replaces threonine, which is neutral and polar, with alanine, which is neutral and non-polar, at codon 264 of the SGCE protein (p.Thr264Ala). This variant is present in population databases (no rsID available, gnomAD 0.003%). This variant has not been reported in the literature in individuals affected with SGCE-related conditions. Algorithms developed to predict the effect of missense changes on protein structure and function output the following: SIFT: "Tolerated"; PolyPhen-2: "Benign"; Align-GVGD: "Class C0". The alanine amino acid residue is found in multiple mammalian species, which suggests that this missense change does not adversely affect protein function. In summary, the available evidence is currently insufficient to determine the role of this variant in disease. Therefore, it has been classified as a Variant of Uncertain Significance.

NM_003919.3(SGCE):c.790A>G (p.Thr264Ala)

Genes: CASD1 (CAS1 domain sialic acid O acetyltransferase 1; plus strand), SGCE (sarcoglycan epsilon; minus strand). Cytogenetic location: 7q21.3.
Variant type: single nucleotide variant.
Coding change: c.790A>G on transcript NM_003919.3 (MANE Select); coding-DNA position 790, A replaced by G.
Protein change: p.Thr264Ala; replaces threonine 264 with alanine.
Molecular consequence: missense variant.
Genome position (GRCh38, 1-based): chr7:94,603,325, T>C on the plus strand (A>G on the coding strand, the complement: SGCE is on the minus strand). VCF-style: chr7-94603325-T-C. GRCh37 (hg19) VCF-style: chr7-94232637-T-C.
Other names: c.790A>G, p.Thr264Ala (NM_001099400.2, NM_001099401.2, NM_001346717.2); c.667A>G, p.Thr223Ala (NM_001301139.2, NM_001362809.2); c.898A>G, p.Thr300Ala (NM_001346713.2, NM_001346715.2); c.703A>G, p.Thr235Ala (NM_001346719.2, NM_001362807.2); c.517A>G, p.Thr173Ala (NM_001346720.2, NM_001362808.2); short protein forms T235A, T300A, T223A, T173A, T264A.
Identifiers: ClinVar variation 1914697 (VCV001914697.5), dbSNP rs1207660819, ClinGen allele CA368231966.